The following is an entry in ClinVar:

NM_017780.4(CHD7):c.6335C>T (p.Thr2112Met)

Gene: CHD7 (chromodomain helicase DNA binding protein 7; plus strand). Cytogenetic location: 8q12.2.
Variant type: single nucleotide variant.
Coding change: c.6335C>T on transcript NM_017780.4 (MANE Select); coding-DNA position 6335, C replaced by T.
Protein change: p.Thr2112Met; replaces threonine 2112 with methionine.
Molecular consequence: missense variant. On other transcripts: intron variant (1).
Genome position (GRCh38, 1-based): chr8:60,853,060, C>T. VCF-style: chr8-60853060-C-T. GRCh37 (hg19) VCF-style: chr8-61765619-C-T.
Other names: c.1717-9169C>T (NM_001316690.1); short protein forms T2112M.
Identifiers: ClinVar variation 1050642 (VCV001050642.12), dbSNP rs758409717, ClinGen allele CA4760573.

ClinVar aggregate classification (germline): Conflicting classifications of pathogenicity. Review status: criteria provided, conflicting classifications (1 of 4 stars). 4 submissions from 4 submitters: Uncertain significance (2); Likely benign (1). 1 of the submissions does not count toward it. Last evaluated 2025-06-30.

Conditions:
CHARGE syndrome (CHARGE). Also called: Hittner Hirsch Kreh syndrome; CHARGE ASSOCIATION--COLOBOMA, HEART ANOMALY, CHOANAL ATRESIA, RETARDATION, GENITAL AND EAR ANOMALIES; Coloboma, heart anomaly, choanal atresia, retardation, genital and ear anomalies; CHARGE association; Hall-Hittner syndrome. Identifiers: Orphanet 138, MedGen C0265354, MONDO:0008965.
Hypogonadotropic hypogonadism 5 with or without anosmia (KAL5). Also called: HYPOGONADOTROPIC HYPOGONADISM 5 WITH ANOSMIA; HYPOGONADOTROPHIC HYPOGONADISM 5 WITHOUT ANOSMIA; CHD7-Related GnRH Deficiency (Kallmann Syndrome 5). Identifiers: Orphanet 478, MedGen C3552553, MONDO:0012880, OMIM 612370. Disease mechanism: loss of function.

Allele frequency attached by ClinVar (database versions not stated): ExAC 0.00002; gnomAD exomes 0.00002 and 0.00004; gnomAD 0.00004; TOPMed 0.00005.
gnomAD v4.1: 63 of 1,613,818 alleles (0.0039%); highest among the groups gnomAD compares: South Asian, 0.0077%; no homozygotes.

Submissions (4):

Labcorp Genetics (formerly Invitae), Labcorp
Classification: Likely benign for CHARGE syndrome. Last evaluated: 2025-06-30. Review status: criteria provided, single submitter. Criteria: Invitae Variant Classification Sherloc (09022015). Collection method: clinical testing. Allele origin: germline.

Fulgent Genetics
Classification: Uncertain significance for CHD7-related CHARGE syndrome; Hypogonadotropic hypogonadism 5 with or without anosmia. Last evaluated: 2024-04-29. Review status: criteria provided, single submitter. Criteria: ACMG Guidelines, 2015. Collection method: clinical testing. Allele origin: germline.

Blueprint Genetics
Classification: Uncertain significance. Last evaluated: 2023-10-06. Review status: criteria provided, single submitter. Criteria: ACMG Guidelines, 2015. Collection method: clinical testing. Allele origin: germline.

Department of Pathology and Laboratory Medicine, Sinai Health System
Classification: Uncertain significance. Review status: no assertion criteria provided. Collection method: clinical testing. Allele origin: unknown. Affected: yes. Study: The Canadian Open Genetics Repository (COGR). Not counted in ClinVar's aggregate classification.
Comment: The CHD7 p.Thr2112Met variant was identified in the literature however the frequency of this variant in an affected population was not provided. In Felix et al. (2006), the role of the CHD7 gene in non-syndromic cleft lip and palate (CLP) cases was studied by sequencing 184 non-syndromic CLP cases from Iowa and the Philippines (92 samples). Overall, there was no reported statistical difference in variants found in cases and controls. The variant was identified in dbSNP (ID: rs758409717) and in the Cosmic database where the variant was confirmed somatically in large intestine tissue (adenocarcinoma) with a FATHMM prediction of pathogenic (score=0.99). The variant was not identified in ClinVar and LOVD 3.0. The variant was identified in control databases in 4 of 248948 chromosomes at a frequency of 0.000016 (Genome Aggregation Database Feb 27, 2017). The variant was observed in the following populations: Other in 1 of 6046 chromosomes (freq: 0.000165), African in 1 of 15478 chromosomes (freq: 0.000065), South Asian in 1 of 30600 chromosomes (freq: 0.000033) and European (non-Finnish) in 1 of 112750 chromosomes (freq: 0.000009); it was not observed in the Latino, Ashkenazi Jewish, East Asian, and European (Finnish) populations. The variant occurs outside of the splicing consensus sequence and in silico or computational prediction software programs (SpliceSiteFinder, MaxEntScan, NNSPLICE, and GeneSplicer) do not predict a difference in splicing. The p.Thr2112 residue is conserved in mammals and computational analyses (PolyPhen-2, SIFT, AlignGVGD, BLOSUM, and MutationTaster) provide inconsistent predictions regarding the impact to the protein; this information is not very predictive of pathogenicity. In summary, based on the above information the clinical significance of this variant cannot be determined with certainty at this time. This variant is classified as a variant of uncertain significance.